The following is an entry in ClinVar:

NM_001292063.2(OTOG):c.7370del (p.Val2457fs)

Gene: OTOG (otogelin; plus strand). Cytogenetic location: 11p15.1.
Variant type: Deletion.
Coding change: c.7370del on transcript NM_001292063.2 (MANE Select); coding-DNA position 7370, one base deleted (T; older notation c.7370delT).
Protein change: p.Val2457fs; shifts the reading frame from valine 2457.
Molecular consequence: frameshift variant.
Genome position (GRCh38, 1-based): chr11:17,634,171, T deleted. VCF-style (leftmost placement, unchanged base first): chr11-17634170-GT-G. GRCh37 (hg19) VCF-style: chr11-17655717-GT-G.
Other names: c.7406del, p.Val2469fs (NM_001277269.2); short protein forms V2457fs, V2469fs.
Identifiers: ClinVar variation 4687994 (VCV004687994.1), dbSNP rs1263866285.

ClinVar aggregate classification (germline): Likely pathogenic (1 of 4 stars; one submission).

Conditions:
Autosomal recessive nonsyndromic hearing loss 18B. Also called: Deafness, autosomal recessive 18b. Identifiers: Orphanet 90636, MedGen C3554163, MONDO:0013985, OMIM 614945.

Submission:

Human Genetics Bochum, Ruhr University Bochum
Classification: Likely pathogenic for Autosomal recessive nonsyndromic hearing loss 18B. Last evaluated: 2024-04-26. Review status: criteria provided, single submitter. Criteria: ACMG Guidelines, 2015. Collection method: clinical testing. Allele origin: germline. Affected: yes.
Comment: was identified together with OTOG:c.4377del; ACMG criteria used to clasify this variant: PVS1, PM2_SUP, PM3_sup